The following is an entry in ClinVar:

NM_015629.4(PRPF31):c.1205C>T (p.Ser402Leu)

Gene: PRPF31 (pre-mRNA processing factor 31; plus strand). Cytogenetic location: 19q13.42.
Variant type: single nucleotide variant.
Coding change: c.1205C>T on transcript NM_015629.4 (MANE Select); coding-DNA position 1205, C replaced by T.
Protein change: p.Ser402Leu; replaces serine 402 with leucine.
Molecular consequence: missense variant.
Genome position (GRCh38, 1-based): chr19:54,129,115, C>T. VCF-style: chr19-54129115-C-T. GRCh37 (hg19) VCF-style: chr19-54632490-C-T.
Other names: short protein forms S402L.
Identifiers: ClinVar variation 1483099 (VCV001483099.7), dbSNP rs1406386099, ClinGen allele CA407754629.

ClinVar aggregate classification (germline): Uncertain significance. Review status: criteria provided, multiple submitters, no conflicts (2 of 4 stars). 2 submissions from 2 submitters: Uncertain significance (2). Last evaluated 2024-07-05.

Allele frequency attached by ClinVar (database versions not stated): gnomAD 0.00001.
gnomAD v4.1: 19 of 1,582,472 alleles (0.0012%); highest among the groups gnomAD compares: African/African-American, 0.004%; no homozygotes.

Submissions (2):

Blueprint Genetics
Classification: Uncertain significance. Last evaluated: 2024-07-05. Review status: criteria provided, single submitter. Criteria: ACMG Guidelines, 2015. Collection method: clinical testing. Allele origin: germline.

Labcorp Genetics (formerly Invitae), Labcorp
Classification: Uncertain significance. Last evaluated: 2021-10-20. Review status: criteria provided, single submitter. Criteria: Invitae Variant Classification Sherloc (09022015). Collection method: clinical testing. Allele origin: germline.
Comment: This sequence change replaces serine with leucine at codon 402 of the PRPF31 protein (p.Ser402Leu). The serine residue is moderately conserved and there is a large physicochemical difference between serine and leucine. This variant is not present in population databases (ExAC no frequency). This variant has not been reported in the literature in individuals affected with PRPF31-related conditions. Algorithms developed to predict the effect of missense changes on protein structure and function are either unavailable or do not agree on the potential impact of this missense change (SIFT: "Tolerated"; PolyPhen-2: "Possibly Damaging"; Align-GVGD: "Class C0"). In summary, the available evidence is currently insufficient to determine the role of this variant in disease. Therefore, it has been classified as a Variant of Uncertain Significance.